The following is an entry in ClinVar:

NM_012193.4(FZD4):c.1133A>G (p.Tyr378Cys)

Genes: FZD4 (frizzled class receptor 4; minus strand), PRSS23 (serine protease 23; plus strand). Cytogenetic location: 11q14.2.
Variant type: single nucleotide variant.
Coding change: c.1133A>G on transcript NM_012193.4 (MANE Select); coding-DNA position 1133, A replaced by G.
Protein change: p.Tyr378Cys; replaces tyrosine 378 with cysteine.
Molecular consequence: missense variant. On other transcripts: non-coding transcript variant (2).
Genome position (GRCh38, 1-based): chr11:86,951,623, T>C on the plus strand (A>G on the coding strand, the complement: FZD4 is on the minus strand). VCF-style: chr11-86951623-T-C. GRCh37 (hg19) VCF-style: chr11-86662665-T-C.
Other names: short protein forms Y378C.
Identifiers: ClinVar variation 1020981 (VCV001020981.9), dbSNP rs767886264, ClinGen allele CA6218375.

ClinVar aggregate classification (germline): Uncertain significance. Review status: criteria provided, multiple submitters, no conflicts (2 of 4 stars). 2 submissions from 2 submitters: Uncertain significance (2). Last evaluated 2024-05-11.

Allele frequency attached by ClinVar (database versions not stated): ExAC 0.00001; gnomAD 0.00001; gnomAD exomes 0.00001; TOPMed 0.00002.
gnomAD v4.1: 21 of 1,614,062 alleles (0.0013%); highest among the groups gnomAD compares: East Asian, 0.0022%; no homozygotes.

Submissions (2):

Labcorp Genetics (formerly Invitae), Labcorp
Classification: Uncertain significance. Last evaluated: 2024-05-11. Review status: criteria provided, single submitter. Criteria: Invitae Variant Classification Sherloc (09022015). Collection method: clinical testing. Allele origin: germline.
Comment: This sequence change replaces tyrosine, which is neutral and polar, with cysteine, which is neutral and slightly polar, at codon 378 of the FZD4 protein (p.Tyr378Cys). This variant is present in population databases (rs767886264, gnomAD 0.003%). This missense change has been observed in individual(s) with autosomal dominant familial exudative vitreoretinopathy (PMID: 33090715). This variant is also known as Tyr178Cys. ClinVar contains an entry for this variant (Variation ID: 1020981). Advanced modeling of protein sequence and biophysical properties (such as structural, functional, and spatial information, amino acid conservation, physicochemical variation, residue mobility, and thermodynamic stability) has been performed at Invitae for this missense variant, however the output from this modeling did not meet the statistical confidence thresholds required to predict the impact of this variant on FZD4 protein function. In summary, the available evidence is currently insufficient to determine the role of this variant in disease. Therefore, it has been classified as a Variant of Uncertain Significance.

Blueprint Genetics
Classification: Uncertain significance. Last evaluated: 2021-03-26. Review status: criteria provided, single submitter. Criteria: ACMG Guidelines, 2015. Collection method: clinical testing. Allele origin: germline.

Literature cited by the submitters: PubMed 33090715 (cited by Labcorp Genetics (formerly Invitae), Labcorp).